The following is an entry in ClinVar:

NM_012281.3(KCND2):c.647T>C (p.Ile216Thr)

Gene: KCND2 (potassium voltage-gated channel subfamily D member 2; plus strand). Cytogenetic location: 7q31.31.
Variant type: single nucleotide variant.
Coding change: c.647T>C on transcript NM_012281.3 (MANE Select); coding-DNA position 647, T replaced by C.
Protein change: p.Ile216Thr; replaces isoleucine 216 with threonine.
Molecular consequence: missense variant.
Genome position (GRCh38, 1-based): chr7:120,275,279, T>C. VCF-style: chr7-120275279-T-C. GRCh37 (hg19) VCF-style: chr7-119915333-T-C.
Other names: short protein forms I216T.
Identifiers: ClinVar variation 1432758 (VCV001432758.7), dbSNP rs1799157271, ClinGen allele CA369132076.
Genomic context (GRCh38, chr7:120,275,279, plus strand): 5'-CCGTCTCTGTCATCGCGAATGTGGTGGAAACAGTGCCGTGCGGATCAAGCCCAGGTCACA[T>C]TAAAGAACTGCCCTGTGGAGAGCGGTATGCTGTGGCCTTCTTCTGCTTGGACACGGCCTG-3'
Protein context (NP_036413.1, residues 206-226): TVPCGSSPGH[Ile216Thr]KELPCGERYA

ClinVar aggregate classification (germline): Uncertain significance (1 of 4 stars; one submission).

Conditions:
Early Myoclonic Encephalopathy. Identifiers: MedGen C0270855.

gnomAD v4.1: 2 of 1,613,886 alleles (0.00012%); highest among the groups gnomAD compares: Non-Finnish European, 0.00017%; no homozygotes.

Submission:

Labcorp Genetics (formerly Invitae), Labcorp
Classification: Uncertain significance for Early Myoclonic Encephalopathy. Last evaluated: 2022-06-27. Review status: criteria provided, single submitter. Criteria: Invitae Variant Classification Sherloc (09022015). Collection method: clinical testing. Allele origin: germline.
Comment: In summary, the available evidence is currently insufficient to determine the role of this variant in disease. Therefore, it has been classified as a Variant of Uncertain Significance. Advanced modeling of protein sequence and biophysical properties (such as structural, functional, and spatial information, amino acid conservation, physicochemical variation, residue mobility, and thermodynamic stability) performed at Invitae indicates that this missense variant is not expected to disrupt KCND2 protein function. This variant has not been reported in the literature in individuals affected with KCND2-related conditions. This variant is not present in population databases (gnomAD no frequency). This sequence change replaces isoleucine, which is neutral and non-polar, with threonine, which is neutral and polar, at codon 216 of the KCND2 protein (p.Ile216Thr).